The following is an entry in ClinVar:

NM_001145809.2(MYH14):c.3586G>C (p.Glu1196Gln)

Gene: MYH14 (myosin heavy chain 14; plus strand). Cytogenetic location: 19q13.33.
Variant type: single nucleotide variant.
Coding change: c.3586G>C on transcript NM_001145809.2 (MANE Select); coding-DNA position 3586, G replaced by C.
Protein change: p.Glu1196Gln; replaces glutamic acid 1196 with glutamine.
Molecular consequence: missense variant.
Genome position (GRCh38, 1-based): chr19:50,276,109, G>C. VCF-style: chr19-50276109-G-C. GRCh37 (hg19) VCF-style: chr19-50779366-G-C.
Other names: c.3463G>C, p.Glu1155Gln (NM_024729.4); c.3487G>C, p.Glu1163Gln (NM_001077186.2); short protein forms E1155Q, E1163Q, E1196Q.
Identifiers: ClinVar variation 1001215 (VCV001001215.8), dbSNP rs934601408, ClinGen allele CA309570541.

ClinVar aggregate classification (germline): Uncertain significance (1 of 4 stars; one submission).

Allele frequency attached by ClinVar (database versions not stated): gnomAD exomes below 0.00001 and 0.00001; gnomAD 0.00001; TOPMed 0.00002.

Submission:

Labcorp Genetics (formerly Invitae), Labcorp
Classification: Uncertain significance. Last evaluated: 2017-08-25. Review status: criteria provided, single submitter. Criteria: Invitae Variant Classification Sherloc (09022015). Collection method: clinical testing. Allele origin: germline.
Comment: In summary, this variant has uncertain impact on MYH14 function. The available evidence is currently insufficient to determine its role in disease. Therefore, it has been classified as a Variant of Uncertain Significance. Algorithms developed to predict the effect of missense changes on protein structure and function (SIFT, PolyPhen-2, Align-GVGD) all suggest that this variant is likely to be disruptive, but these predictions have not been confirmed by published functional studies and their clinical significance is uncertain. This variant has not been reported in the literature in individuals with a MYH14-related disease. This variant is not present in population databases (ExAC no frequency). This sequence change replaces glutamic acid with glutamine at codon 1155 of the MYH14 protein (p.Glu1155Gln). The glutamic acid residue is highly conserved and there is a small physicochemical difference between glutamic acid and glutamine.